The following is an entry in ClinVar:

NM_015047.3(EMC1):c.2557G>A (p.Glu853Lys)

Genes: EMC1 (ER membrane protein complex subunit 1; minus strand), EMC1-AS1 (EMC1 antisense RNA 1; plus strand). Cytogenetic location: 1p36.13.
Variant type: single nucleotide variant.
Coding change: c.2557G>A on transcript NM_015047.3 (MANE Select); coding-DNA position 2557, G replaced by A.
Protein change: p.Glu853Lys; replaces glutamic acid 853 with lysine.
Molecular consequence: missense variant.
Genome position (GRCh38, 1-based): chr1:19,222,654, C>T on the plus strand (G>A on the coding strand, the complement: EMC1 is on the minus strand). VCF-style: chr1-19222654-C-T. GRCh37 (hg19) VCF-style: chr1-19549148-C-T.
Other names: c.2554G>A, p.Glu852Lys (NM_001271427.2, NM_001271428.2); c.2491G>A, p.Glu831Lys (NM_001271429.2); c.2566G>A, p.Glu856Lys (NM_001375820.1); c.2563G>A, p.Glu855Lys (NM_001375821.1); short protein forms E831K, E852K, E853K, E855K, E856K.
Identifiers: ClinVar variation 4799391 (VCV004799391.1).

ClinVar aggregate classification (germline): Uncertain significance (1 of 4 stars; one submission).

gnomAD v4.1: 1 of 1,613,992 alleles (0.000062%); highest among the groups gnomAD compares: Non-Finnish European, 0.000085%; no homozygotes.

Submission:

Labcorp Genetics (formerly Invitae), Labcorp
Classification: Uncertain significance. Last evaluated: 2025-08-30. Review status: criteria provided, single submitter. Criteria: Invitae Variant Classification Sherloc (09022015). Collection method: clinical testing. Allele origin: germline.
Comment: This sequence change replaces glutamic acid, which is acidic and polar, with lysine, which is basic and polar, at codon 853 of the EMC1 protein (p.Glu853Lys). This variant is not present in population databases (gnomAD no frequency). This variant has not been reported in the literature in individuals affected with EMC1-related conditions. Invitae Evidence Modeling of protein sequence and biophysical properties (such as structural, functional, and spatial information, amino acid conservation, physicochemical variation, residue mobility, and thermodynamic stability) indicates that this missense variant is expected to disrupt EMC1 protein function with a positive predictive value of 80%. In summary, the available evidence is currently insufficient to determine the role of this variant in disease. Therefore, it has been classified as a Variant of Uncertain Significance.